The following is an entry in ClinVar:

NM_014845.6(FIG4):c.1952T>C (p.Ile651Thr)

Gene: FIG4 (FIG4 phosphoinositide 5-phosphatase; plus strand). Cytogenetic location: 6q21.
Variant type: single nucleotide variant.
Coding change: c.1952T>C on transcript NM_014845.6 (MANE Select); coding-DNA position 1952, T replaced by C.
Protein change: p.Ile651Thr; replaces isoleucine 651 with threonine.
Molecular consequence: missense variant.
Genome position (GRCh38, 1-based): chr6:109,786,305, T>C. VCF-style: chr6-109786305-T-C. GRCh37 (hg19) VCF-style: chr6-110107508-T-C.
Other names: short protein forms I651T.
Identifiers: ClinVar variation 1498672 (VCV001498672.8), dbSNP rs2128396248, ClinGen allele CA365231690.

ClinVar aggregate classification (germline): Uncertain significance (1 of 4 stars; one submission).

Conditions:
Charcot-Marie-Tooth disease type 4. Also called: Charcot-Marie-Tooth disease, type IV; Charcot-Marie-Tooth, Type 4. Identifiers: Orphanet 64749, MedGen C4082197, MONDO:0018995.

Allele frequency attached by ClinVar (database versions not stated): gnomAD exomes below 0.00001.
gnomAD v4.1: 1 of 1,611,768 alleles (0.000062%); highest among the groups gnomAD compares: African/African-American, 0.0013%; no homozygotes.

Submission:

Labcorp Genetics (formerly Invitae), Labcorp
Classification: Uncertain significance for Charcot-Marie-Tooth disease type 4. Last evaluated: 2024-05-20. Review status: criteria provided, single submitter. Criteria: Invitae Variant Classification Sherloc (09022015). Collection method: clinical testing. Allele origin: germline.
Comment: This sequence change replaces isoleucine, which is neutral and non-polar, with threonine, which is neutral and polar, at codon 651 of the FIG4 protein (p.Ile651Thr). This variant is not present in population databases (gnomAD no frequency). This variant has not been reported in the literature in individuals affected with FIG4-related conditions. ClinVar contains an entry for this variant (Variation ID: 1498672). Algorithms developed to predict the effect of missense changes on protein structure and function output the following: SIFT: "Not Available"; PolyPhen-2: "Benign"; Align-GVGD: "Not Available". The threonine amino acid residue is found in multiple mammalian species, which suggests that this missense change does not adversely affect protein function. In summary, the available evidence is currently insufficient to determine the role of this variant in disease. Therefore, it has been classified as a Variant of Uncertain Significance.